The following is an entry in ClinVar:

NM_005585.5(SMAD6):c.1297G>A (p.Gly433Ser)

Gene: SMAD6 (SMAD family member 6; plus strand). Cytogenetic location: 15q22.31.
Variant type: single nucleotide variant.
Coding change: c.1297G>A on transcript NM_005585.5 (MANE Select); coding-DNA position 1297, G replaced by A.
Protein change: p.Gly433Ser; replaces glycine 433 with serine.
Molecular consequence: missense variant. On other transcripts: non-coding transcript variant (1).
Genome position (GRCh38, 1-based): chr15:66,781,341, G>A. VCF-style: chr15-66781341-G-A. GRCh37 (hg19) VCF-style: chr15-67073679-G-A.
Other names: short protein forms G433S.
Identifiers: ClinVar variation 665870 (VCV000665870.9), dbSNP rs373836386, ClinGen allele CA7626781.

ClinVar aggregate classification (germline): Conflicting classifications of pathogenicity. Review status: criteria provided, conflicting classifications (1 of 4 stars). 2 submissions from 2 submitters: Uncertain significance (1); Likely benign (1). Last evaluated 2025-11-06.

Conditions:
Aortic valve disease 2 (AOVD2). Identifiers: MedGen C3542024, MONDO:0013902, OMIM 614823.

Allele frequency attached by ClinVar (database versions not stated): gnomAD exomes 0.00005 and 0.00007; ExAC 0.00006; TOPMed 0.00006; gnomAD 0.00007 and 0.00008; ESP Exome Variant Server 0.00008.
gnomAD v4.1: 83 of 1,598,764 alleles (0.0052%); highest among the groups gnomAD compares: Non-Finnish European, 0.0069%; no homozygotes.

Submissions (2):

Labcorp Genetics (formerly Invitae), Labcorp
Classification: Uncertain significance for Aortic valve disease 2. Last evaluated: 2025-11-06. Review status: criteria provided, single submitter. Criteria: Invitae Variant Classification Sherloc (09022015). Collection method: clinical testing. Allele origin: germline.
Comment: This sequence change replaces glycine, which is neutral and non-polar, with serine, which is neutral and polar, at codon 433 of the SMAD6 protein (p.Gly433Ser). This variant is present in population databases (rs373836386, gnomAD 0.01%). This missense change has been observed in individual(s) with clinical features of SMAD6-related conditions (PMID: 30056620, 40133303). ClinVar contains an entry for this variant (Variation ID: 665870). Invitae Evidence Modeling of protein sequence and biophysical properties (such as structural, functional, and spatial information, amino acid conservation, physicochemical variation, residue mobility, and thermodynamic stability) indicates that this missense variant is not expected to disrupt SMAD6 protein function with a negative predictive value of 80%. In summary, the available evidence is currently insufficient to determine the role of this variant in disease. Therefore, it has been classified as a Variant of Uncertain Significance.

Women's Health and Genetics/Laboratory Corporation of America, LabCorp
Classification: Likely benign. Last evaluated: 2025-04-18. Review status: criteria provided, single submitter. Criteria: LabCorp Variant Classification Summary - May 2015. Collection method: clinical testing. Allele origin: germline.
Comment: Variant summary: SMAD6 c.1297G>A (p.Gly433Ser) results in a non-conservative amino acid change in the encoded protein sequence. Five of five in-silico tools predict a damaging effect of the variant on protein function. The variant allele was found at a frequency of 7.1e-05 in 226860 control chromosomes. The observed variant frequency is approximately 2-fold of the estimated maximal expected allele frequency for a pathogenic variant in SMAD6 causing Aortic Valve Disease phenotype (3.1e-05). These report(s) do not provide unequivocal conclusions about association of the variant with Aortic Valve Disease. To our knowledge, no experimental evidence demonstrating an impact on protein function has been reported. The following publications have been ascertained in the context of this evaluation (PMID: 30056620, 40133303). ClinVar contains an entry for this variant (Variation ID: 665870). Based on the evidence outlined above, the variant was classified as likely benign.

Literature cited by the submitters: PubMed 30056620 (cited by Labcorp Genetics (formerly Invitae), Labcorp and Women's Health and Genetics/Laboratory Corporation of America, LabCorp); PubMed 40133303 (cited by Labcorp Genetics (formerly Invitae), Labcorp and Women's Health and Genetics/Laboratory Corporation of America, LabCorp).